The following is an entry in ClinVar:

NM_003238.6(TGFB2):c.373C>G (p.Pro125Ala)

Gene: TGFB2 (transforming growth factor beta 2; plus strand). Cytogenetic location: 1q41.
Variant type: single nucleotide variant.
Coding change: c.373C>G on transcript NM_003238.6 (MANE Select); coding-DNA position 373, C replaced by G.
Protein change: p.Pro125Ala; replaces proline 125 with alanine.
Molecular consequence: missense variant. On other transcripts: non-coding transcript variant (2).
Genome position (GRCh38, 1-based): chr1:218,405,195, C>G. VCF-style: chr1-218405195-C-G. GRCh37 (hg19) VCF-style: chr1-218578537-C-G.
Other names: c.457C>G, p.Pro153Ala (NM_001135599.4); short protein forms P153A, P125A.
Identifiers: ClinVar variation 3968061 (VCV003968061.1).
Genomic context (GRCh38, chr1:218,405,195, plus strand): 5'-TATCATTTTCAATGATTGCCCTAATTTTTTACAGATGCCATCCCGCCCACTTTCTACAGA[C>G]CCTACTTCAGAATTGTTCGATTTGACGTCTCAGCAATGGAGAAGAATGCTTCCAATTTGG-3'
Protein context (NP_003229.1, residues 115-135): ENAIPPTFYR[Pro125Ala]YFRIVRFDVS

ClinVar aggregate classification (germline): Uncertain significance (1 of 4 stars; one submission).

Conditions:
Familial thoracic aortic aneurysm and aortic dissection (TAAD). Also called: Thoracic aortic aneurysms and dissections. Identifiers: Orphanet 91387, MedGen C4707243, MONDO:0019625.

gnomAD v4.1: 1 of 1,606,190 alleles (0.000062%); highest among the groups gnomAD compares: Non-Finnish European, 0.000085%; no homozygotes.

Submission:

Ambry Genetics
Classification: Uncertain significance for Familial thoracic aortic aneurysm and aortic dissection. Last evaluated: 2025-04-30. Review status: criteria provided, single submitter. Criteria: Ambry Variant Classification Scheme 2023. Collection method: clinical testing. Allele origin: germline.
Comment: The p.P125A variant (also known as c.373C>G), located in coding exon 2 of the TGFB2 gene, results from a C to G substitution at nucleotide position 373. The proline at codon 125 is replaced by alanine, an amino acid with highly similar properties. This amino acid position is conserved. In addition, this alteration is predicted to be tolerated by in silico analysis. Based on the available evidence, the clinical significance of this variant remains unclear.